The following is an entry in ClinVar:

ClinVar aggregate classification (germline): Likely pathogenic. Review status: criteria provided, single submitter (1 of 4 stars). 2 submissions from 2 submitters: Likely pathogenic (1). 1 of the submissions does not count toward it. Last evaluated 2019-10-18.

Conditions:
Dyschromatosis universalis hereditaria 1 (DUH1). Identifiers: MedGen C2675711, MONDO:0024524, OMIM 127500.

Submissions (2):

SIB Swiss Institute of Bioinformatics
Classification: Likely pathogenic for Dyschromatosis universalis hereditaria 1. Last evaluated: 2019-10-18. Review status: criteria provided, single submitter. Criteria: ACMG Guidelines, 2015. Collection method: curation. Allele origin: unknown.
Comment: This variant is interpreted as Likely pathogenic for Dyschromatosis universalis hereditaria 1, autosomal dominant. The following ACMG Tag(s) were applied: PM2, PP3, PM1-Supporting, PM6.

OMIM
Classification: Pathogenic for DYSCHROMATOSIS UNIVERSALIS HEREDITARIA 1. Last evaluated: 2019-03-29. Review status: no assertion criteria provided. Collection method: literature only. Allele origin: germline. Not counted in ClinVar's aggregate classification.

Literature cited by the submitters: PubMed 27840890 (cited by SIB Swiss Institute of Bioinformatics and OMIM).

NM_015278.5(SASH1):c.1519T>G (p.Ser507Ala)

Gene: SASH1 (SAM and SH3 domain containing 1; plus strand). Cytogenetic location: 6q25.1.
Variant type: single nucleotide variant.
Coding change: c.1519T>G on transcript NM_015278.5 (MANE Select); coding-DNA position 1519, T replaced by G.
Protein change: p.Ser507Ala; replaces serine 507 with alanine.
Molecular consequence: missense variant.
Genome position (GRCh38, 1-based): chr6:148,531,616, T>G. VCF-style: chr6-148531616-T-G. GRCh37 (hg19) VCF-style: chr6-148852752-T-G.
Other names: c.1384T>G, p.Ser462Ala (NM_001346505.2); c.1147T>G, p.Ser383Ala (NM_001346506.2); c.802T>G, p.Ser268Ala (NM_001346507.2); c.1291T>G, p.Ser431Ala (NM_001346508.2); c.1168T>G, p.Ser390Ala (NM_001346509.2); short protein forms S507A, S390A, S268A, S383A, S431A, S462A.
Identifiers: ClinVar variation 624632 (VCV000624632.2), dbSNP rs1562489143, ClinGen allele CA365987351.